The following is an entry in ClinVar:

NM_002473.6(MYH9):c.3317T>C (p.Ile1106Thr)

Gene: MYH9 (myosin heavy chain 9; minus strand). Cytogenetic location: 22q12.3.
Variant type: single nucleotide variant.
Coding change: c.3317T>C on transcript NM_002473.6 (MANE Select); coding-DNA position 3317, T replaced by C.
Protein change: p.Ile1106Thr; replaces isoleucine 1106 with threonine.
Molecular consequence: missense variant.
Genome position (GRCh38, 1-based): chr22:36,295,673, A>G on the plus strand (T>C on the coding strand, the complement: MYH9 is on the minus strand). VCF-style: chr22-36295673-A-G. GRCh37 (hg19) VCF-style: chr22-36691719-A-G.
Other names: short protein forms I1106T.
Identifiers: ClinVar variation 1939974 (VCV001939974.6), dbSNP rs757024922, ClinGen allele CA10209690.

ClinVar aggregate classification (germline): Conflicting classifications of pathogenicity. Review status: criteria provided, conflicting classifications (1 of 4 stars). 2 submissions from 2 submitters: Uncertain significance (1); Likely benign (1). Last evaluated 2026-05-11.

Conditions:
MYH9-related disorder. Identifiers: MedGen C1854520.

Allele frequency attached by ClinVar (database versions not stated): ExAC 0.00001; gnomAD exomes 0.00001; TOPMed 0.00002.
gnomAD v4.1: 6 of 1,613,668 alleles (0.00037%); highest among the groups gnomAD compares: Admixed American, 0.0083%; 1 homozygote.

Submissions (2):

PreventionGenetics, part of Exact Sciences
Classification: Uncertain significance for MYH9-related condition. Last evaluated: 2026-05-11. Review status: criteria provided, single submitter. Criteria: ACMG Guidelines, 2015. Collection method: clinical testing. Allele origin: germline.
Comment: The MYH9 c.3317T>C variant is predicted to result in the amino acid substitution p.Ile1106Thr. To our knowledge, this variant has not been reported in the literature. This variant is reported in 0.017% of alleles in individuals of Latino descent in gnomAD. Although we suspect that this variant may be benign, at this time, the clinical significance of this variant is uncertain due to the absence of conclusive functional and genetic evidence.

Labcorp Genetics (formerly Invitae), Labcorp
Classification: Likely benign. Last evaluated: 2025-12-23. Review status: criteria provided, single submitter. Criteria: Invitae Variant Classification Sherloc (09022015). Collection method: clinical testing. Allele origin: germline.